The following is an entry in ClinVar:

NM_005445.4(SMC3):c.15+5_15+12del

Gene: SMC3 (structural maintenance of chromosomes 3; plus strand). Cytogenetic location: 10q25.2.
Variant type: Deletion.
Coding change: c.15+5_15+12del on transcript NM_005445.4 (MANE Select); bases 5 to 12 of the intron after coding-DNA position 15, 8 bases deleted (GGCCTTCG; older notation c.15+5_15+12delGGCCTTCG).
Molecular consequence: intron variant.
Genome position (GRCh38, 1-based): chr10:110,567,836-110,567,843, GGCCTTCG deleted. VCF-style (leftmost placement, unchanged base first): chr10-110567835-AGGCCTTCG-A. GRCh37 (hg19) VCF-style: chr10-112327593-AGGCCTTCG-A.
Identifiers: ClinVar variation 2905044 (VCV002905044.3), dbSNP rs776856186, ClinGen allele CA5687576.
Genomic context (GRCh38, chr10:110,567,835, plus strand): 5'-TGCTCCGGGGCAGGTCTCCTTCCAGGCCAGGGGCCCGGAATCATGTACATAAAGCAGGTA[AGGCCTTCG>A]CGTCCCTCCACCCCGTCATGGGCCGGTAAGGGCCGCTCCTTGAGGCGGGAGTGTTGCGGC-3'

ClinVar aggregate classification (germline): Uncertain significance (1 of 4 stars; one submission).

Conditions:
Cornelia de Lange syndrome 3 (CDLS3). Also called: SMC3-Related Cornelia de Lange Syndrome; CORNELIA DE LANGE SYNDROME 3 WITH OR WITHOUT MIDLINE BRAIN DEFECTS. Identifiers: Orphanet 199, MedGen C1853099, MONDO:0012555, OMIM 610759.

Allele frequency attached by ClinVar (database versions not stated): gnomAD exomes below 0.00001; ExAC 0.00001.

Submission:

Labcorp Genetics (formerly Invitae), Labcorp
Classification: Uncertain significance for Cornelia de Lange syndrome 3. Last evaluated: 2023-07-17. Review status: criteria provided, single submitter. Criteria: Invitae Variant Classification Sherloc (09022015). Collection method: clinical testing. Allele origin: germline.
Comment: In summary, the available evidence is currently insufficient to determine the role of this variant in disease. Therefore, it has been classified as a Variant of Uncertain Significance. Variants that disrupt the consensus splice site are a relatively common cause of aberrant splicing (PMID: 17576681, 9536098). Algorithms developed to predict the effect of sequence changes on RNA splicing suggest that this variant may create or strengthen a splice site. This variant has not been reported in the literature in individuals affected with SMC3-related conditions. The frequency data for this variant in the population databases is considered unreliable, as metrics indicate poor data quality at this position in the gnomAD database. This sequence change falls in intron 1 of the SMC3 gene. It does not directly change the encoded amino acid sequence of the SMC3 protein. It affects a nucleotide within the consensus splice site.

Literature cited by the submitters: PubMed 17576681; PubMed 9536098.